The following is an entry in ClinVar:

ClinVar aggregate classification (germline): Likely pathogenic (1 of 4 stars; one submission).

Submission:

Labcorp Genetics (formerly Invitae), Labcorp
Classification: Likely pathogenic. Last evaluated: 2022-12-20. Review status: criteria provided, single submitter. Criteria: Invitae Variant Classification Sherloc (09022015). Collection method: clinical testing. Allele origin: germline.
Comment: In summary, the currently available evidence indicates that the variant is pathogenic, but additional data are needed to prove that conclusively. Therefore, this variant has been classified as Likely Pathogenic. This variant disrupts the p.Pro42 amino acid residue in CYP11B1. Other variant(s) that disrupt this residue have been determined to be pathogenic (PMID: 9302260, 26053152; Invitae). This suggests that this residue is clinically significant, and that variants that disrupt this residue are likely to be disease-causing. Advanced modeling of protein sequence and biophysical properties (such as structural, functional, and spatial information, amino acid conservation, physicochemical variation, residue mobility, and thermodynamic stability) performed at Invitae indicates that this missense variant is expected to disrupt CYP11B1 protein function. ClinVar contains an entry for this variant (Variation ID: 1514386). This variant has not been reported in the literature in individuals affected with CYP11B1-related conditions. This variant is not present in population databases (gnomAD no frequency). This sequence change replaces proline, which is neutral and non-polar, with threonine, which is neutral and polar, at codon 42 of the CYP11B1 protein (p.Pro42Thr).

Literature cited by the submitters: PubMed 9302260; PubMed 26053152.

NM_000497.4(CYP11B1):c.124C>A (p.Pro42Thr)

Gene: CYP11B1 (cytochrome P450 family 11 subfamily B member 1; minus strand). Cytogenetic location: 8q24.3.
Variant type: single nucleotide variant.
Coding change: c.124C>A on transcript NM_000497.4 (MANE Select); coding-DNA position 124, C replaced by A.
Protein change: p.Pro42Thr; replaces proline 42 with threonine.
Molecular consequence: missense variant.
Genome position (GRCh38, 1-based): chr8:142,879,690, G>T on the plus strand (C>A on the coding strand, the complement: CYP11B1 is on the minus strand). VCF-style: chr8-142879690-G-T. GRCh37 (hg19) VCF-style: chr8-143961106-G-T.
Other names: c.124C>A, p.Pro42Thr (NM_001026213.1); short protein forms P42T.
Identifiers: ClinVar variation 1514386 (VCV001514386.8), dbSNP rs104894069, ClinGen allele CA372397297.